The following is an entry in ClinVar:

ClinVar aggregate classification (germline): Likely benign. Review status: criteria provided, multiple submitters, no conflicts (2 of 4 stars). 4 submissions from 4 submitters: Likely benign (4). Last evaluated 2026-01-19.

Conditions:
Karyomegalic interstitial nephritis. Identifiers: Orphanet 401996, MedGen C3553774, MONDO:0013898, OMIM 614817.

Allele frequency attached by ClinVar (database versions not stated): gnomAD 0.00040 and 0.00041; TOPMed 0.00040; ExAC 0.00054; gnomAD exomes 0.00055 and 0.00092; ESP Exome Variant Server 0.00092.
gnomAD v4.1: 1,400 of 1,613,198 alleles (0.087%); highest among the groups gnomAD compares: Non-Finnish European, 0.11%; 1 homozygote.

Submissions (4):

Labcorp Genetics (formerly Invitae), Labcorp
Classification: Likely benign. Last evaluated: 2026-01-19. Review status: criteria provided, single submitter. Criteria: Invitae Variant Classification Sherloc (09022015). Collection method: clinical testing. Allele origin: germline.

CeGaT Center for Human Genetics Tuebingen
Classification: Likely benign. Last evaluated: 2025-06-01. Review status: criteria provided, single submitter. Criteria: CeGaT Center For Human Genetics Tuebingen Variant Classification Criteria Version 2. Collection method: clinical testing. Allele origin: germline. Affected: yes. Observed: 2 variant alleles.
Comment: FAN1: BP4, BP7

Fulgent Genetics
Classification: Likely benign for Karyomegalic interstitial nephritis. Last evaluated: 2021-11-03. Review status: criteria provided, single submitter. Criteria: ACMG Guidelines, 2015. Collection method: clinical testing. Allele origin: unknown.

Breakthrough Genomics
Classification: Likely benign. Review status: criteria provided, single submitter. Criteria: ACMG Guidelines, 2015. Collection method: not provided. Allele origin: germline. Inheritance: Autosomal recessive inheritance. Affected: yes.

NM_014967.5(FAN1):c.174G>A (p.Arg58=)

Gene: FAN1 (FANCD2 and FANCI associated nuclease 1; plus strand). Cytogenetic location: 15q13.3.
Variant type: single nucleotide variant.
Coding change: c.174G>A on transcript NM_014967.5 (MANE Select); coding-DNA position 174, G replaced by A.
Protein change: p.Arg58=; no amino-acid change (arginine 58 retained).
Molecular consequence: synonymous variant.
Genome position (GRCh38, 1-based): chr15:30,904,837, G>A. VCF-style: chr15-30904837-G-A. GRCh37 (hg19) VCF-style: chr15-31197040-G-A.
Other names: c.174G>A, p.Arg58= (NM_001146094.2, NM_001146095.1, NM_001146096.2).
Identifiers: ClinVar variation 1586655 (VCV001586655.32), dbSNP rs143965941, ClinGen allele CA7449995.